The following is an entry in ClinVar:

NM_014112.5(TRPS1):c.361A>G (p.Arg121Gly)

Gene: TRPS1 (transcriptional repressor GATA binding 1; minus strand). Cytogenetic location: 8q23.3.
Variant type: single nucleotide variant.
Coding change: c.361A>G on transcript NM_014112.5 (MANE Select); coding-DNA position 361, A replaced by G.
Protein change: p.Arg121Gly; replaces arginine 121 with glycine.
Molecular consequence: missense variant.
Genome position (GRCh38, 1-based): chr8:115,619,737, T>C on the plus strand (A>G on the coding strand, the complement: TRPS1 is on the minus strand). VCF-style: chr8-115619737-T-C. GRCh37 (hg19) VCF-style: chr8-116631964-T-C.
Other names: c.334A>G, p.Arg112Gly (NM_001282902.3); c.340A>G, p.Arg114Gly (NM_001282903.3); c.322A>G, p.Arg108Gly (NM_001330599.2); short protein forms R112G, R114G, R121G, R108G.
Identifiers: ClinVar variation 1391409 (VCV001391409.6), dbSNP rs964024525, ClinGen allele CA184619395.

ClinVar aggregate classification (germline): Uncertain significance (1 of 4 stars; one submission).

Conditions:
Trichorhinophalangeal syndrome, type III (TRPS3). Also called: SUGIO-KAJII SYNDROME. Identifiers: Orphanet 77258, MedGen C1860823, OMIM 190351, MONDO:0008597.
Trichorhinophalangeal dysplasia type I (TRPS1). Also called: TRPS I; TRICHORHINOPHALANGEAL SYNDROME, TYPE I. Identifiers: Orphanet 77258, MedGen C0432233, MONDO:0008596, OMIM 190350.

Allele frequency attached by ClinVar (database versions not stated): gnomAD exomes below 0.00001.
gnomAD v4.1: 1 of 1,614,250 alleles (0.000062%); highest among the groups gnomAD compares: Non-Finnish European, 0.000085%; no homozygotes.

Submission:

Labcorp Genetics (formerly Invitae), Labcorp
Classification: Uncertain significance for Trichorhinophalangeal syndrome, type III; Trichorhinophalangeal dysplasia type I. Last evaluated: 2023-12-22. Review status: criteria provided, single submitter. Criteria: Invitae Variant Classification Sherloc (09022015). Collection method: clinical testing. Allele origin: germline.
Comment: This sequence change replaces arginine, which is basic and polar, with glycine, which is neutral and non-polar, at codon 121 of the TRPS1 protein (p.Arg121Gly). This variant is not present in population databases (gnomAD no frequency). This variant has not been reported in the literature in individuals affected with TRPS1-related conditions. ClinVar contains an entry for this variant (Variation ID: 1391409). Advanced modeling of protein sequence and biophysical properties (such as structural, functional, and spatial information, amino acid conservation, physicochemical variation, residue mobility, and thermodynamic stability) performed at Invitae indicates that this missense variant is not expected to disrupt TRPS1 protein function with a negative predictive value of 80%. In summary, the available evidence is currently insufficient to determine the role of this variant in disease. Therefore, it has been classified as a Variant of Uncertain Significance.